The following is an entry in ClinVar:

ClinVar aggregate classification (germline): Uncertain significance. Review status: criteria provided, multiple submitters, no conflicts (2 of 4 stars). 5 submissions from 5 submitters: Uncertain significance (4). 1 of the submissions does not count toward it. Last evaluated 2024-02-17.

Conditions:
Very long chain acyl-CoA dehydrogenase deficiency (ACADVLD). Also called: Very Long-Chain Acyl-Coenzyme A Dehydrogenase Deficiency; VLCAD Deficiency. Identifiers: Orphanet 26793, MedGen C3887523, MONDO:0008723, OMIM 201475.

Allele frequency attached by ClinVar (database versions not stated): gnomAD 0.00001; TOPMed 0.00002; gnomAD exomes 0.00003 and 0.00004; ExAC 0.00005; 1000 Genomes Project 30x 0.00016; 1000 Genomes Project 0.00020.

Submissions (5):

Labcorp Genetics (formerly Invitae), Labcorp
Classification: Uncertain significance for Very long chain acyl-CoA dehydrogenase deficiency. Last evaluated: 2024-02-17. Review status: criteria provided, single submitter. Criteria: Invitae Variant Classification Sherloc (09022015). Collection method: clinical testing. Allele origin: germline.
Comment: This sequence change replaces arginine, which is basic and polar, with tryptophan, which is neutral and slightly polar, at codon 538 of the ACADVL protein (p.Arg538Trp). This variant is present in population databases (rs192904909, gnomAD 0.02%). This missense change has been observed in individual(s) with a positive newborn screening result for ACADVL-related disease (Invitae). ClinVar contains an entry for this variant (Variation ID: 932825). Advanced modeling of protein sequence and biophysical properties (such as structural, functional, and spatial information, amino acid conservation, physicochemical variation, residue mobility, and thermodynamic stability) performed at Invitae indicates that this missense variant is expected to disrupt ACADVL protein function with a positive predictive value of 95%. In summary, the available evidence is currently insufficient to determine the role of this variant in disease. Therefore, it has been classified as a Variant of Uncertain Significance.

ARUP Laboratories, Molecular Genetics and Genomics, ARUP Laboratories
Classification: Uncertain significance for Very long chain acyl-CoA dehydrogenase deficiency. Last evaluated: 2022-08-17. Review status: criteria provided, single submitter. Criteria: ARUP Molecular Germline Variant Investigation Process 2021. Collection method: clinical testing. Allele origin: germline.
Comment: The ACADVL c.1612C>T; p.Arg538Trp variant (rs192904909) is reported in the literature in the heterozygous state in an individual who underwent follow-up testing after an unspecified abnormal result on newborn screening (Adhikari 2020) and is reported in ClinVar (Variation ID: 932825). This variant is found in the Latino/Admixed American population with an allele frequency of 0.017% (6/34566 alleles) in the Genome Aggregation Database. The arginine at codon 538 is weakly conserved and computational analyses are uncertain whether this variant is deleterious or neutral (REVEL: 0.286). Given the lack of clinical and functional data, the significance of this variant is uncertain at this time. REFERENCES Adhikari AN et al. The role of exome sequencing in newborn screening for inborn errors of metabolism. Nat Med. 2020 Sep;26(9):1392-1397. PMID: 32778825.

GeneDx
Classification: Uncertain significance. Last evaluated: 2020-12-16. Review status: criteria provided, single submitter. Criteria: GeneDx Variant Classification Process June 2021. Collection method: clinical testing. Allele origin: germline. Affected: yes.
Comment: Has not been previously published as pathogenic or benign to our knowledge; In silico analysis supports that this missense variant has a deleterious effect on protein structure/function

Wong Mito Lab, Molecular and Human Genetics, Baylor College of Medicine
Classification: Uncertain significance for Very long chain acyl-CoA dehydrogenase deficiency. Last evaluated: 2019-11-01. Review status: criteria provided, single submitter. Criteria: ACMG Guidelines, 2015. Collection method: clinical testing. Allele origin: germline.
Comment: The NM_000018.3:c.1612C>T (NP_000009.1:p.Arg538Trp) [GRCH38: NC_000017.11:g.7224486C>T] variant in ACADVL gene is interpretated to be Uncertain Significance based on ACMG guidelines (PMID: 25741868). This variant has been reported. This variant dose not meet any evidence codes reported in the ACMG guidelines.

Natera, Inc.
Classification: Uncertain significance for Very long chain acyl-CoA dehydrogenase deficiency. Last evaluated: 2020-05-15. Review status: no assertion criteria provided. Collection method: clinical testing. Allele origin: germline. Not counted in ClinVar's aggregate classification.

NM_000018.4(ACADVL):c.1612C>T (p.Arg538Trp)

Gene: ACADVL (acyl-CoA dehydrogenase very long chain; plus strand). Cytogenetic location: 17p13.1.
Variant type: single nucleotide variant.
Coding change: c.1612C>T on transcript NM_000018.4 (MANE Select); coding-DNA position 1612, C replaced by T.
Protein change: p.Arg538Trp; replaces arginine 538 with tryptophan.
Molecular consequence: missense variant.
Genome position (GRCh38, 1-based): chr17:7,224,486, C>T. VCF-style: chr17-7224486-C-T. GRCh37 (hg19) VCF-style: chr17-7127805-C-T.
Other names: c.1546C>T, p.Arg516Trp (NM_001033859.3); c.1681C>T, p.Arg561Trp (NM_001270447.2); c.1384C>T, p.Arg462Trp (NM_001270448.2); short protein forms R561W, R516W, R538W, R462W.
Identifiers: ClinVar variation 932825 (VCV000932825.12), dbSNP rs192904909, ClinGen allele CA8338190.